The following is an entry in ClinVar:

NM_000051.4(ATM):c.1241A>C (p.Gln414Pro)

Gene: ATM (ATM serine/threonine kinase; plus strand). Cytogenetic location: 11q22.3.
Variant type: single nucleotide variant.
Coding change: c.1241A>C on transcript NM_000051.4 (MANE Select); coding-DNA position 1241, A replaced by C.
Protein change: p.Gln414Pro; replaces glutamine 414 with proline.
Molecular consequence: missense variant.
Genome position (GRCh38, 1-based): chr11:108,250,706, A>C. VCF-style: chr11-108250706-A-C. GRCh37 (hg19) VCF-style: chr11-108121433-A-C.
Other names: c.1241A>C, p.Gln414Pro (NM_001351834.2); short protein forms Q414P.
Identifiers: ClinVar variation 1474209 (VCV001474209.8), dbSNP rs2080088877, ClinGen allele CA382533151.

ClinVar aggregate classification (germline): Uncertain significance (1 of 4 stars; one submission).

Conditions:
Ataxia-telangiectasia syndrome (AT). Also called: ATAXIA-TELANGIECTASIA, COMPLEMENTATION GROUP A; ATAXIA-TELANGIECTASIA, FRESNO VARIANT; LOUIS-BAR SYNDROME; Ataxia-telangiectasia; Cerebello-oculocutaneous telangiectasia; Immunodeficiency with ataxia telangiectasia. Identifiers: Orphanet 100, MedGen C0004135, MONDO:0008840, OMIM 208900.

Submission:

Labcorp Genetics (formerly Invitae), Labcorp
Classification: Uncertain significance for Ataxia-telangiectasia syndrome. Last evaluated: 2025-11-27. Review status: criteria provided, single submitter. Criteria: Invitae Variant Classification Sherloc (09022015). Collection method: clinical testing. Allele origin: germline.
Comment: This sequence change replaces glutamine, which is neutral and polar, with proline, which is neutral and non-polar, at codon 414 of the ATM protein (p.Gln414Pro). This variant is not present in population databases (gnomAD no frequency). This variant has not been reported in the literature in individuals affected with ATM-related conditions. ClinVar contains an entry for this variant (Variation ID: 1474209). Invitae Evidence Modeling of protein sequence and biophysical properties (such as structural, functional, and spatial information, amino acid conservation, physicochemical variation, residue mobility, and thermodynamic stability) indicates that this missense variant is not expected to disrupt ATM protein function with a negative predictive value of 95%. In summary, the available evidence is currently insufficient to determine the role of this variant in disease. Therefore, it has been classified as a Variant of Uncertain Significance.